The following is an entry in ClinVar:

NM_005068.3(SIM1):c.1375G>A (p.Glu459Lys)

Genes: SIM1 (SIM bHLH transcription factor 1; minus strand), SIM1-AS1 (SIM1 antisense RNA 1; plus strand). Cytogenetic location: 6q16.3.
Variant type: single nucleotide variant.
Coding change: c.1375G>A on transcript NM_005068.3 (MANE Select); coding-DNA position 1375, G replaced by A.
Protein change: p.Glu459Lys; replaces glutamic acid 459 with lysine.
Molecular consequence: missense variant. On other transcripts: non-coding transcript variant (1).
Genome position (GRCh38, 1-based): chr6:100,393,682, C>T on the plus strand (G>A on the coding strand, the complement: SIM1 is on the minus strand). VCF-style: chr6-100393682-C-T. GRCh37 (hg19) VCF-style: chr6-100841558-C-T.
Other names: c.1375G>A, p.Glu459Lys (NM_001374769.1); short protein forms E459K.
Identifiers: ClinVar variation 3684966 (VCV003684966.2).

ClinVar aggregate classification (germline): Uncertain significance (1 of 4 stars; one submission).

Submission:

Labcorp Genetics (formerly Invitae), Labcorp
Classification: Uncertain significance. Last evaluated: 2024-06-12. Review status: criteria provided, single submitter. Criteria: Invitae Variant Classification Sherloc (09022015). Collection method: clinical testing. Allele origin: germline.
Comment: This sequence change replaces glutamic acid, which is acidic and polar, with lysine, which is basic and polar, at codon 459 of the SIM1 protein (p.Glu459Lys). This variant is not present in population databases (gnomAD no frequency). This variant has not been reported in the literature in individuals affected with SIM1-related conditions. An algorithm developed to predict the effect of missense changes on protein structure and function (PolyPhen-2) suggests that this variant is likely to be tolerated. In summary, the available evidence is currently insufficient to determine the role of this variant in disease. Therefore, it has been classified as a Variant of Uncertain Significance.